The following is an entry in ClinVar:

ClinVar aggregate classification (germline): Likely benign (1 of 4 stars; one submission).

gnomAD v4.1: 2 of 1,614,018 alleles (0.00012%); highest among the groups gnomAD compares: Middle Eastern, 0.016%; no homozygotes.

Submission:

CeGaT Center for Human Genetics Tuebingen
Classification: Likely benign. Last evaluated: 2025-10-01. Review status: criteria provided, single submitter. Criteria: CeGaT Center For Human Genetics Tuebingen Variant Classification Criteria Version 2. Collection method: clinical testing. Allele origin: germline. Affected: yes. Observed: 1 variant allele.
Comment: FILIP1: BP4, BP7

NM_015687.5(FILIP1):c.2937C>G (p.Ser979=)

Gene: FILIP1 (filamin A interacting protein 1; minus strand). Cytogenetic location: 6q14.1.
Variant type: single nucleotide variant.
Coding change: c.2937C>G on transcript NM_015687.5 (MANE Select); coding-DNA position 2937, C replaced by G.
Protein change: p.Ser979=; no amino-acid change (serine 979 retained).
Molecular consequence: synonymous variant.
Genome position (GRCh38, 1-based): chr6:75,312,895, G>C on the plus strand (C>G on the coding strand, the complement: FILIP1 is on the minus strand). VCF-style: chr6-75312895-G-C. GRCh37 (hg19) VCF-style: chr6-76022611-G-C.
Other names: c.2946C>G, p.Ser982= (NM_001289987.3); c.2937C>G, p.Ser979= (NM_001300866.3).
Identifiers: ClinVar variation 4534085 (VCV004534085.6).
Genomic context (GRCh38, chr6:75,312,895, plus strand): 5'-AAATGCGCCTCTTCCACTTTCTGGAGTCTTCTCTCTGGAAAATGTAGTAATTGTGACTGG[G>C]GACATGGCTCGTTCTGGGCCAAGAGTAGTATCTCCACTTTTTTGTTTTTGAGGCATAACG-3'
Protein context (NP_056502.1, residues 969-989): DTTLGPERAM[Ser979=]PVTITTFSRE